The following is an entry in ClinVar:

NM_001605.3(AARS1):c.894G>A (p.Leu298=)

Gene: AARS1 (alanyl-tRNA synthetase 1; minus strand). Cytogenetic location: 16q22.1.
Variant type: single nucleotide variant.
Coding change: c.894G>A on transcript NM_001605.3 (MANE Select); coding-DNA position 894, G replaced by A.
Protein change: p.Leu298=; no amino-acid change (leucine 298 retained).
Molecular consequence: synonymous variant.
Genome position (GRCh38, 1-based): chr16:70,269,686, C>T on the plus strand (G>A on the coding strand, the complement: AARS1 is on the minus strand). VCF-style: chr16-70269686-C-T. GRCh37 (hg19) VCF-style: chr16-70303589-C-T.
Identifiers: ClinVar variation 412291 (VCV000412291.15), dbSNP rs776027503, ClinGen allele CA8141008.
Genomic context (GRCh38, chr16:70,269,686, plus strand): 5'-TGTGTTGTCAGGCCGGCCACCATCAGCCAGTGCCACAGTGATGGTCCGAGCGTGGTCAGC[C>T]AGCACCCGGTAGGCCATGTCAATCCCATCGGCATCCTCAGCACCAACTTTCCCAGTGTAT-3'
Protein context (NP_001596.2, residues 288-308): ADGIDMAYRV[Leu298=]ADHARTITVA

ClinVar aggregate classification (germline): Likely benign. Review status: criteria provided, multiple submitters, no conflicts (2 of 4 stars). 5 submissions from 5 submitters: Likely benign (5). Last evaluated 2025-11-03.

Conditions:
AARS1-related disorder. Also called: AARS1-related condition.
Inborn genetic diseases. Identifiers: MedGen C0950123, MeSH D030342.
Charcot-Marie-Tooth disease type 2. Also called: Charcot-Marie-Tooth type 2. Identifiers: Orphanet 64746, MedGen C0270914, MONDO:0018993.

Allele frequency attached by ClinVar (database versions not stated): gnomAD exomes below 0.00001 and 0.00002; ExAC 0.00001; gnomAD 0.00003 and 0.00005; TOPMed 0.00003.

Submissions (5):

Labcorp Genetics (formerly Invitae), Labcorp
Classification: Likely benign for Charcot-Marie-Tooth disease type 2. Last evaluated: 2025-11-03. Review status: criteria provided, single submitter. Criteria: Invitae Variant Classification Sherloc (09022015). Collection method: clinical testing. Allele origin: germline.

PreventionGenetics, part of Exact Sciences
Classification: Likely benign for AARS1-related condition. Last evaluated: 2025-04-30. Review status: criteria provided, single submitter. Criteria: ACMG Guidelines, 2015. Collection method: clinical testing. Allele origin: germline.
Comment: This variant is classified as likely benign based on ACMG/AMP sequence variant interpretation guidelines (Richards et al. 2015 PMID: 25741868, with internal and published modifications).

Blueprint Genetics
Classification: Likely benign. Last evaluated: 2024-11-11. Review status: criteria provided, single submitter. Criteria: ACMG Guidelines, 2015. Collection method: clinical testing. Allele origin: germline.

Revvity Omics, Revvity
Classification: Likely benign. Last evaluated: 2023-12-29. Review status: criteria provided, single submitter. Criteria: ACMG Guidelines, 2015. Collection method: clinical testing. Allele origin: germline.

Ambry Genetics
Classification: Likely benign for Inborn genetic diseases. Last evaluated: 2019-07-11. Review status: criteria provided, single submitter. Criteria: Ambry Variant Classification Scheme 2023. Collection method: clinical testing. Allele origin: germline.